The following is an entry in ClinVar:

ClinVar aggregate classification (germline): Uncertain significance (1 of 4 stars; one submission).

Allele frequency attached by ClinVar (database versions not stated): gnomAD 0.00001; TOPMed 0.00001.
gnomAD v4.1: 3 of 1,413,744 alleles (0.00021%); highest among the groups gnomAD compares: Non-Finnish European, 0.00028%; no homozygotes.

Submission:

Labcorp Genetics (formerly Invitae), Labcorp
Classification: Uncertain significance. Last evaluated: 2022-11-08. Review status: criteria provided, single submitter. Criteria: Invitae Variant Classification Sherloc (09022015). Collection method: clinical testing. Allele origin: germline.
Comment: This variant is not present in population databases (gnomAD no frequency). This variant has not been reported in the literature in individuals affected with TRAF3IP1-related conditions. ClinVar contains an entry for this variant (Variation ID: 966360). Advanced modeling of protein sequence and biophysical properties (such as structural, functional, and spatial information, amino acid conservation, physicochemical variation, residue mobility, and thermodynamic stability) performed at Invitae indicates that this missense variant is expected to disrupt TRAF3IP1 protein function. In summary, the available evidence is currently insufficient to determine the role of this variant in disease. Therefore, it has been classified as a Variant of Uncertain Significance. This sequence change replaces arginine, which is basic and polar, with tryptophan, which is neutral and slightly polar, at codon 8 of the TRAF3IP1 protein (p.Arg8Trp).

NM_015650.4(TRAF3IP1):c.22C>T (p.Arg8Trp)

Gene: TRAF3IP1 (TRAF3 interacting protein 1; plus strand). Cytogenetic location: 2q37.3.
Variant type: single nucleotide variant.
Coding change: c.22C>T on transcript NM_015650.4 (MANE Select); coding-DNA position 22, C replaced by T.
Protein change: p.Arg8Trp; replaces arginine 8 with tryptophan.
Molecular consequence: missense variant.
Genome position (GRCh38, 1-based): chr2:238,320,684, C>T. VCF-style: chr2-238320684-C-T. GRCh37 (hg19) VCF-style: chr2-239229325-C-T.
Other names: c.22C>T, p.Arg8Trp (NM_001139490.1); short protein forms R8W.
Identifiers: ClinVar variation 966360 (VCV000966360.9), dbSNP rs1697477035, ClinGen allele CA351239517.